The following is an entry in ClinVar:

NM_003923.3(FOXH1):c.584G>T (p.Gly195Val)

Gene: FOXH1 (forkhead box H1; minus strand). Cytogenetic location: 8q24.3.
Variant type: single nucleotide variant.
Coding change: c.584G>T on transcript NM_003923.3 (MANE Select); coding-DNA position 584, G replaced by T.
Protein change: p.Gly195Val; replaces glycine 195 with valine.
Molecular consequence: missense variant.
Genome position (GRCh38, 1-based): chr8:144,474,752, C>A on the plus strand (G>T on the coding strand, the complement: FOXH1 is on the minus strand). VCF-style: chr8-144474752-C-A. GRCh37 (hg19) VCF-style: chr8-145700135-C-A.
Other names: c.584G>T (NM_003923.2); short protein forms G195V.
Identifiers: ClinVar variation 2445821 (VCV002445821.2), dbSNP rs748921328, ClinGen allele CA4945488.
Genomic context (GRCh38, chr8:144,474,752, plus strand): 5'-GGCCTCTCAGAAGAGGGAAGGGGTGGGGTGGGCACCGCCTCCTCCCCACTGTTCCCTGTG[C>A]CTGCAGGAACTGGGCTGCTCTGTGGAGCTAGCCCCGGCCAGGGTGCCCCCTCCCCGGACC-3'
Protein context (NP_003914.1, residues 185-205): LAPQSSPVPA[Gly195Val]TGNSGEEAVP

ClinVar aggregate classification (germline): Conflicting classifications of pathogenicity. Review status: criteria provided, conflicting classifications (1 of 4 stars). 2 submissions from 2 submitters: Uncertain significance (1); Likely benign (1). Last evaluated 2023-02-13.

Allele frequency attached by ClinVar (database versions not stated): gnomAD 0.00001; TOPMed 0.00001; ExAC 0.00005.

Submissions (2):

Women's Health and Genetics/Laboratory Corporation of America, LabCorp
Classification: Uncertain significance. Last evaluated: 2023-02-13. Review status: criteria provided, single submitter. Criteria: LabCorp Variant Classification Summary - May 2015. Collection method: clinical testing. Allele origin: germline.
Comment: Variant summary: FOXH1 c.584G>T (p.Gly195Val) results in a non-conservative amino acid change in the encoded protein sequence. Three of five in-silico tools predict a benign effect of the variant on protein function. The variant allele was found at a frequency of 1.5e-05 in 198802 control chromosomes. The available data on variant occurrences in the general population are insufficient to allow any conclusion about variant significance. c.584G>T has been reported in the literature in individuals affected with Congenital Heart Defects, without strong evidence for causality (Wei_2020, Roessler_2008). These reports do not provide unequivocal conclusions about association of the variant with Congenital Heart Disease. At least one publication reports experimental evidence evaluating an impact on protein function. These results showed no damaging effect of this variant (Roessler_2008). No clinical diagnostic laboratories have submitted clinical-significance assessments for this variant to ClinVar after 2014. Based on the evidence outlined above, the variant was classified as uncertain significance.

Blueprint Genetics
Classification: Likely benign. Last evaluated: 2021-11-04. Review status: criteria provided, single submitter. Criteria: ACMG Guidelines, 2015. Collection method: clinical testing. Allele origin: germline.

Literature cited by the submitters: PubMed 18538293 (cited by Women's Health and Genetics/Laboratory Corporation of America, LabCorp); PubMed 32003456 (cited by Women's Health and Genetics/Laboratory Corporation of America, LabCorp).